The following is an entry in ClinVar:

NM_000138.5(FBN1):c.7964C>T (p.Ala2655Val)

Gene: FBN1 (fibrillin 1; minus strand). Cytogenetic location: 15q21.1.
Variant type: single nucleotide variant.
Coding change: c.7964C>T on transcript NM_000138.5 (MANE Select); coding-DNA position 7964, C replaced by T.
Protein change: p.Ala2655Val; replaces alanine 2655 with valine.
Molecular consequence: missense variant.
Genome position (GRCh38, 1-based): chr15:48,415,623, G>A on the plus strand (C>T on the coding strand, the complement: FBN1 is on the minus strand). VCF-style: chr15-48415623-G-A. GRCh37 (hg19) VCF-style: chr15-48707820-G-A.
Other names: short protein forms A2655V.
Identifiers: ClinVar variation 198345 (VCV000198345.45), dbSNP rs202240409, ClinGen allele CA017483.

ClinVar aggregate classification (germline): Conflicting classifications of pathogenicity. Review status: criteria provided, conflicting classifications (1 of 4 stars). 10 submissions from 10 submitters: Uncertain significance (1); Benign (2); Likely benign (6). 1 of the submissions does not count toward it. Last evaluated 2025-12-21.

Conditions:
Familial thoracic aortic aneurysm and aortic dissection (TAAD). Also called: Thoracic aortic aneurysms and dissections. Identifiers: Orphanet 91387, MedGen C4707243, MONDO:0019625.
Marfan syndrome (MFS). Also called: Marfan syndrome type 1; Marfan's syndrome; Marfan syndrome, classic; MARFAN SYNDROME, TYPE I; FBN1-Related Marfan Syndrome. Identifiers: Orphanet 284963, Orphanet 558, MedGen C0024796, MONDO:0007947, OMIM 154700.
FBN1-related disorder. Also called: FBN1-related disorders.

Allele frequency attached by ClinVar (database versions not stated): TOPMed 0.00004; gnomAD 0.00005 and 0.00009; gnomAD exomes 0.00017 and 0.00027; ExAC 0.00033; 1000 Genomes Project 30x 0.00047; 1000 Genomes Project 0.00060.
gnomAD v4.1: 253 of 1,614,220 alleles (0.016%); highest among the groups gnomAD compares: South Asian, 0.15%; 2 homozygotes.

Submissions (10):

Labcorp Genetics (formerly Invitae), Labcorp
Classification: Likely benign for Marfan syndrome; Familial thoracic aortic aneurysm and aortic dissection. Last evaluated: 2025-12-21. Review status: criteria provided, single submitter. Criteria: Invitae Variant Classification Sherloc (09022015). Collection method: clinical testing. Allele origin: germline.

Blueprint Genetics
Classification: Likely benign. Last evaluated: 2024-09-19. Review status: criteria provided, single submitter. Criteria: ACMG Guidelines, 2015. Collection method: clinical testing. Allele origin: germline.

Ambry Genetics
Classification: Benign for Familial thoracic aortic aneurysm and aortic dissection. Last evaluated: 2024-06-12. Review status: criteria provided, single submitter. Criteria: Ambry Variant Classification Scheme 2023. Collection method: clinical testing. Allele origin: germline.

All of Us Research Program, National Institutes of Health
Classification: Likely benign for Marfan syndrome. Last evaluated: 2024-01-11. Review status: criteria provided, single submitter. Criteria: ACMG Guidelines, 2015. Collection method: clinical testing. Allele origin: germline. Inheritance: Autosomal dominant inheritance. Observed: 16 variant alleles, 16 heterozygotes.
Comment: This study involves interpretation of variants in research participants for the purpose of population health screening. Participant phenotype was not available at the time of variant classification. Additional details can be found in publication PMID: 35346344, PMCID: PMC8962531

CeGaT Center for Human Genetics Tuebingen
Classification: Benign. Last evaluated: 2022-12-01. Review status: criteria provided, single submitter. Criteria: CeGaT Center For Human Genetics Tuebingen Variant Classification Criteria Version 2. Collection method: clinical testing. Allele origin: germline. Affected: yes. Observed: 1 variant allele.
Comment: FBN1: PP2, BP4, BS1, BS2

GeneDx
Classification: Likely benign. Last evaluated: 2020-02-20. Review status: criteria provided, single submitter. Criteria: GeneDx Variant Classification Process June 2021. Collection method: clinical testing. Allele origin: germline. Affected: yes.

Women's Health and Genetics/Laboratory Corporation of America, LabCorp
Classification: Likely benign. Last evaluated: 2020-01-19. Review status: criteria provided, single submitter. Criteria: LabCorp Variant Classification Summary - May 2015. Collection method: clinical testing. Allele origin: germline.
Comment: Variant summary: FBN1 c.7964C>T (p.Ala2655Val) results in a non-conservative amino acid change located in the EGF-like domain (IPR000742) of the encoded protein sequence. Four of five in-silico tools predict a benign effect of the variant on protein function. The variant allele was found at a frequency of 0.00028 in 253322 control chromosomes, predominantly at a frequency of 0.0016 within the South Asian subpopulation in the gnomAD database. The observed variant frequency within South Asian control individuals in the gnomAD database is approximately 14 fold of the estimated maximal expected allele frequency for a pathogenic variant in FBN1 causing Marfan Syndrome phenotype (0.00011), strongly suggesting that the variant is a benign polymorphism found primarily in populations of South Asian origin. c.7964C>T has been reported in the literature in sequencing studies of Finnish patients with HCM (Jaaskelainen_2019) and in individuals who did not fulfill the revised Ghent 2010 nosology for Marfan syndrome (Baudhuin_2015). These report(s) do not provide unequivocal conclusions about association of the variant with Marfan Syndrome. To our knowledge, no experimental evidence demonstrating an impact on protein function has been reported. One clinical diagnostic laboratory has submitted clinical-significance assessments for this variant to ClinVar after 2014 without evidence for independent evaluation and classified the variant as likely benign. Based on the evidence outlined above, the variant was classified as likely benign.

Color Diagnostics, LLC DBA Color Health
Classification: Likely benign for Familial thoracic aortic aneurysm and aortic dissection. Last evaluated: 2018-11-18. Review status: criteria provided, single submitter. Criteria: ACMG Guidelines, 2015. Collection method: clinical testing. Allele origin: germline.

Eurofins Ntd Llc (ga)
Classification: Uncertain significance. Last evaluated: 2014-12-12. Review status: criteria provided, single submitter. Criteria: EGL Classification Definitions 2015. Collection method: clinical testing. Allele origin: germline. Observed: 1 variant allele, 1 heterozygote.

PreventionGenetics, part of Exact Sciences
Classification: Likely benign for FBN1-related condition. Last evaluated: 2024-09-04. Review status: no assertion criteria provided. Collection method: clinical testing. Allele origin: germline. Not counted in ClinVar's aggregate classification.
Comment: This variant is classified as likely benign based on ACMG/AMP sequence variant interpretation guidelines (Richards et al. 2015 PMID: 25741868, with internal and published modifications).

Literature cited by the submitters: PubMed 30775854 (cited by Ambry Genetics and Women's Health and Genetics/Laboratory Corporation of America, LabCorp); PubMed 38700693 (cited by Ambry Genetics); PubMed 25652356 (cited by Women's Health and Genetics/Laboratory Corporation of America, LabCorp).